The following is an entry in ClinVar:

ClinVar aggregate classification (germline): Likely benign. Review status: criteria provided, multiple submitters, no conflicts (2 of 4 stars). 4 submissions from 4 submitters: Likely benign (2). 2 of the submissions do not count toward it. Last evaluated 2026-01-17.

Conditions:
Cohen syndrome (COH1). Also called: PEPPER SYNDROME; Cutis verticis gyrata, retinitis pigmentosa, and sensorineural deafness. Identifiers: Orphanet 193, MedGen C0265223, MONDO:0008999, OMIM 216550.
VPS13B-related disorder. Also called: VPS13B-related condition.

Allele frequency attached by ClinVar (database versions not stated): TOPMed below 0.00001; gnomAD 0.00001; gnomAD exomes 0.00001 and 0.00003; ExAC 0.00002.
gnomAD v4.1: 13 of 1,613,026 alleles (0.00081%); highest among the groups gnomAD compares: East Asian, 0.022%; no homozygotes.

Submissions (4):

Labcorp Genetics (formerly Invitae), Labcorp
Classification: Likely benign for Cohen syndrome. Last evaluated: 2026-01-17. Review status: criteria provided, single submitter. Criteria: Invitae Variant Classification Sherloc (09022015). Collection method: clinical testing. Allele origin: germline.

Blueprint Genetics
Classification: Likely benign. Last evaluated: 2024-10-04. Review status: criteria provided, single submitter. Criteria: ACMG Guidelines, 2015. Collection method: clinical testing. Allele origin: germline.

PreventionGenetics, part of Exact Sciences
Classification: Likely benign for VPS13B-related condition. Last evaluated: 2023-07-25. Review status: no assertion criteria provided. Collection method: clinical testing. Allele origin: germline. Not counted in ClinVar's aggregate classification.
Comment: This variant is classified as likely benign based on ACMG/AMP sequence variant interpretation guidelines (Richards et al. 2015 PMID: 25741868, with internal and published modifications).

Natera, Inc.
Classification: Likely benign for Cohen syndrome. Last evaluated: 2020-09-16. Review status: no assertion criteria provided. Collection method: clinical testing. Allele origin: germline. Not counted in ClinVar's aggregate classification.

NM_152564.5(VPS13B):c.9298C>T (p.Leu3100=)

Gene: VPS13B (vacuolar protein sorting 13 homolog B; plus strand). Cytogenetic location: 8q22.2.
Variant type: single nucleotide variant.
Coding change: c.9298C>T on transcript NM_152564.5 (MANE Select); coding-DNA position 9298, C replaced by T.
Protein change: p.Leu3100=; no amino-acid change (leucine 3100 retained).
Molecular consequence: synonymous variant.
Genome position (GRCh38, 1-based): chr8:99,823,946, C>T. VCF-style: chr8-99823946-C-T. GRCh37 (hg19) VCF-style: chr8-100836174-C-T.
Other names: c.9298C>T (NM_152564.4); c.9373C>T, p.Leu3125= (NM_017890.5).
Identifiers: ClinVar variation 703694 (VCV000703694.10), dbSNP rs780381150, ClinGen allele CA4824660.
Genomic context (GRCh38, chr8:99,823,946, plus strand): 5'-ATTGAAGACAAGACTACAATAATCAATAATACACCATATCAAATATTTTATAAACCACAG[C>T]TATCTGTCTGCAATCCCCATTCTGGAAAGGAGGTAAGCAAATCATAACGATTCTTTTGTC-3'
Protein context (NP_689777.3, residues 3090-3110): TPYQIFYKPQ[Leu3100=]SVCNPHSGKE